The following is an entry in ClinVar:

NM_014795.4(ZEB2):c.587A>G (p.Glu196Gly)

Genes: ZEB2 (zinc finger E-box binding homeobox 2; minus strand), LOC111721705 (skeletal muscle cis-regulatory module overlapping ZEB2; plus strand). Cytogenetic location: 2q22.3.
Variant type: single nucleotide variant.
Coding change: c.587A>G on transcript NM_014795.4 (MANE Select); coding-DNA position 587, A replaced by G.
Protein change: p.Glu196Gly; replaces glutamic acid 196 with glycine.
Molecular consequence: missense variant.
Genome position (GRCh38, 1-based): chr2:144,404,841, T>C on the plus strand (A>G on the coding strand, the complement: ZEB2 is on the minus strand). VCF-style: chr2-144404841-T-C. GRCh37 (hg19) VCF-style: chr2-145162408-T-C.
Other names: c.515A>G, p.Glu172Gly (NM_001171653.2); short protein forms E172G, E196G.
Identifiers: ClinVar variation 3639113 (VCV003639113.2).
Genomic context (GRCh38, chr2:144,404,841, plus strand): 5'-AATTGTAACAGCTGCAGAGGTCAGTGCAGTGGCTAAAAATGATTTACAGCCTCACCATTT[T>C]CTTCTTGCCCATTGGCCTCTGGCGTGCCAAGGCGAGACAGCTCCTCAGGGGCTTCTGGGT-3'
Protein context (NP_055610.1, residues 186-206): LGTPEANGQE[Glu196Gly]NDLPPGTPDA

ClinVar aggregate classification (germline): Uncertain significance (1 of 4 stars; one submission).

Conditions:
Mowat-Wilson syndrome (MOWS). Also called: Classic Mowat-Wilson Syndrome. Identifiers: Orphanet 2152, MedGen C1856113, MONDO:0009341, OMIM 235730.

Submission:

Labcorp Genetics (formerly Invitae), Labcorp
Classification: Uncertain significance for Mowat-Wilson syndrome. Last evaluated: 2024-02-06. Review status: criteria provided, single submitter. Criteria: Invitae Variant Classification Sherloc (09022015). Collection method: clinical testing. Allele origin: germline.
Comment: This sequence change replaces glutamic acid, which is acidic and polar, with glycine, which is neutral and non-polar, at codon 196 of the ZEB2 protein (p.Glu196Gly). This variant is not present in population databases (gnomAD no frequency). This variant has not been reported in the literature in individuals affected with ZEB2-related conditions. Advanced modeling of protein sequence and biophysical properties (such as structural, functional, and spatial information, amino acid conservation, physicochemical variation, residue mobility, and thermodynamic stability) performed at Invitae indicates that this missense variant is expected to disrupt ZEB2 protein function with a positive predictive value of 80%. In summary, the available evidence is currently insufficient to determine the role of this variant in disease. Therefore, it has been classified as a Variant of Uncertain Significance.